The following is an entry in ClinVar:

NM_001287491.2(TET3):c.304-304A>G

Genes: TET3 (tet methylcytosine dioxygenase 3; plus strand), LOC129934104 (ATAC-STARR-seq lymphoblastoid silent region 11650; plus strand). Cytogenetic location: 2p13.1.
Variant type: single nucleotide variant.
Coding change: c.304-304A>G on transcript NM_001287491.2 (MANE Select); 304 bases into the intron before coding-DNA position 304, A replaced by G.
Molecular consequence: intron variant.
Genome position (GRCh38, 1-based): chr2:74,002,806, A>G. VCF-style: chr2-74002806-A-G. GRCh37 (hg19) VCF-style: chr2-74229933-A-G.
Other names: c.24+5A>G (NM_001366022.1).
Identifiers: ClinVar variation 3778203 (VCV003778203.7).

ClinVar aggregate classification (germline): Likely benign (1 of 4 stars; one submission).

gnomAD v4.1: 62 of 570,472 alleles (0.011%); highest among the groups gnomAD compares: Non-Finnish European, 0.016%; no homozygotes.

Submission:

CeGaT Center for Human Genetics Tuebingen
Classification: Likely benign. Last evaluated: 2025-03-01. Review status: criteria provided, single submitter. Criteria: CeGaT Center For Human Genetics Tuebingen Variant Classification Criteria Version 2. Collection method: clinical testing. Allele origin: germline. Affected: yes. Observed: 1 variant allele.
Comment: TET3: BP4